The following is an entry in ClinVar:

NM_001845.6(COL4A1):c.4966C>A (p.Arg1656Ser)

Gene: COL4A1 (collagen type IV alpha 1 chain; minus strand). Cytogenetic location: 13q34.
Variant type: single nucleotide variant.
Coding change: c.4966C>A on transcript NM_001845.6 (MANE Select); coding-DNA position 4966, C replaced by A.
Protein change: p.Arg1656Ser; replaces arginine 1656 with serine.
Molecular consequence: missense variant.
Genome position (GRCh38, 1-based): chr13:110,150,407, G>T on the plus strand (C>A on the coding strand, the complement: COL4A1 is on the minus strand). VCF-style: chr13-110150407-G-T. GRCh37 (hg19) VCF-style: chr13-110802754-G-T.
Other names: short protein forms R1656S.
Identifiers: ClinVar variation 2442573 (VCV002442573.5), dbSNP rs377350886, ClinGen allele CA7046743.

ClinVar aggregate classification (germline): Uncertain significance. Review status: criteria provided, multiple submitters, no conflicts (2 of 4 stars). 3 submissions from 3 submitters: Uncertain significance (3). Last evaluated 2025-04-30.

Conditions:
Brain small vessel disease 1 with or without ocular anomalies (BSVD1). Also called: BRAIN SMALL VESSEL DISEASE WITH HEMORRHAGE; GOULD SYNDROME 1; PORENCEPHALY, TYPE 1, AUTOSOMAL DOMINANT; Brain small vessel disease with or without ocular anomalies. Identifiers: Orphanet 2940, Orphanet 36383, Orphanet 99810, MedGen C4755307, MONDO:0008289, OMIM 175780.
Microangiopathy and leukoencephalopathy, pontine, autosomal dominant. Also called: Pontine autosomal dominant microangiopathy with leukoencephalopathy; DEMENTIA, HEREDITARY MULTI-INFARCT, SWEDISH TYPE. Identifiers: Orphanet 477749, MedGen C5231411, MONDO:0032814, OMIM 618564.
Hemorrhage, intracerebral, susceptibility to (ICH). Also called: Stroke, hemorrhagic, susceptibility to. Identifiers: MedGen C3281105, MONDO:0100533, OMIM 614519.
Autosomal dominant familial hematuria-retinal arteriolar tortuosity-contractures syndrome. Also called: Angiopathy, hereditary, with nephropathy, aneurysms, and muscle cramps; Hereditary Angiopathy with Nephropathy, Aneurysms, and Muscle Cramps (HANAC) Syndrome. Identifiers: Orphanet 73229, MedGen C2673195, MONDO:0012726, OMIM 611773.
Retinal arterial tortuosity. Also called: RETINAL HEMORRHAGE WITH VASCULAR TORTUOSITY; Retinal arteries, tortuosity of. Identifiers: Orphanet 75326, MedGen C0423401, MONDO:0008373, OMIM 180000, HP:0000631.

gnomAD v4.1: 44 of 1,613,908 alleles (0.0027%); highest among the groups gnomAD compares: South Asian, 0.04%; no homozygotes.

Submissions (3):

Labcorp Genetics (formerly Invitae), Labcorp
Classification: Uncertain significance. Last evaluated: 2025-04-30. Review status: criteria provided, single submitter. Criteria: Invitae Variant Classification Sherloc (09022015). Collection method: clinical testing. Allele origin: germline.
Comment: This sequence change replaces arginine, which is basic and polar, with serine, which is neutral and polar, at codon 1656 of the COL4A1 protein (p.Arg1656Ser). This variant is present in population databases (rs377350886, gnomAD 0.03%). This variant has not been reported in the literature in individuals affected with COL4A1-related conditions. ClinVar contains an entry for this variant (Variation ID: 2442573). Invitae Evidence Modeling of protein sequence and biophysical properties (such as structural, functional, and spatial information, amino acid conservation, physicochemical variation, residue mobility, and thermodynamic stability) indicates that this missense variant is not expected to disrupt COL4A1 protein function with a negative predictive value of 80%. In summary, the available evidence is currently insufficient to determine the role of this variant in disease. Therefore, it has been classified as a Variant of Uncertain Significance.

GeneDx
Classification: Uncertain significance. Last evaluated: 2024-12-20. Review status: criteria provided, single submitter. Criteria: GeneDx Variant Classification Process June 2021. Collection method: clinical testing. Allele origin: germline. Affected: yes.
Comment: Observed in an individual with retinal dystrophy and hearing impairment who also harbored variants in three other genes (PMID: 36266294); In silico analysis supports that this missense variant has a deleterious effect on protein structure/function; This variant is associated with the following publications: (PMID: 36266294)

Fulgent Genetics
Classification: Uncertain significance for Brain small vessel disease 1 with or without ocular anomalies; Retinal arterial tortuosity; Autosomal dominant familial hematuria-retinal arteriolar tortuosity-contractures syndrome; Hemorrhage, intracerebral, susceptibility to; Microangiopathy and leukoencephalopathy, pontine, autosomal dominant. Last evaluated: 2024-01-08. Review status: criteria provided, single submitter. Criteria: ACMG Guidelines, 2015. Collection method: clinical testing. Allele origin: germline.